The following is an entry in ClinVar:

ClinVar aggregate classification (germline): Pathogenic (1 of 4 stars; one submission).

Conditions:
Brody myopathy. Also called: BRODY DISEASE. Identifiers: Orphanet 53347, MedGen C1832918, MONDO:0010977, OMIM 601003.

Submission:

Labcorp Genetics (formerly Invitae), Labcorp
Classification: Pathogenic for Brody myopathy. Last evaluated: 2022-08-19. Review status: criteria provided, single submitter. Criteria: Invitae Variant Classification Sherloc (09022015). Collection method: clinical testing. Allele origin: germline.
Comment: This sequence change creates a premature translational stop signal (p.Lys297*) in the ATP2A1 gene. It is expected to result in an absent or disrupted protein product. Loss-of-function variants in ATP2A1 are known to be pathogenic (PMID: 8841193, 10914677, 23911890). This variant is present in population databases (rs759847914, gnomAD no frequency). This variant has not been reported in the literature in individuals affected with ATP2A1-related conditions. ClinVar contains an entry for this variant (Variation ID: 1451898). For these reasons, this variant has been classified as Pathogenic.

Literature cited by the submitters: PubMed 8841193; PubMed 10914677; PubMed 23911890.

NM_004320.6(ATP2A1):c.888dup (p.Lys297Ter)

Gene: ATP2A1 (ATPase sarcoplasmic/endoplasmic reticulum Ca2+ transporting 1; plus strand). Cytogenetic location: 16p11.2.
Variant type: Duplication.
Coding change: c.888dup on transcript NM_004320.6 (MANE Select); coding-DNA position 888, one base duplicated (T; older notation c.888dupT).
Protein change: p.Lys297Ter; replaces lysine 297 with a stop codon.
Molecular consequence: nonsense.
Genome position (GRCh38, 1-based): chr16:28,887,682, T duplicated; the last of 3 consecutive T bases (chr16:28,887,680-28,887,682); duplicating any one gives the same sequence. VCF-style (leftmost placement, unchanged base first): chr16-28887679-C-CT. GRCh37 (hg19) VCF-style: chr16-28899000-C-CT.
Other names: c.513dup, p.Lys172Ter (NM_001286075.2); c.888dup, p.Lys297Ter (NM_173201.5); short protein forms K172*, K297*.
Identifiers: ClinVar variation 1451898 (VCV001451898.6), dbSNP rs759847914, ClinGen allele CA7986781.